The following is an entry in ClinVar:

ClinVar aggregate classification (germline): Uncertain significance (1 of 4 stars; one submission).

Conditions:
Fanconi anemia (FA). Also called: Fanconi's anemia. Identifiers: Orphanet 84, MedGen C0015625, MeSH D005199, MONDO:0019391.

Allele frequency attached by ClinVar (database versions not stated): gnomAD exomes below 0.00001; TOPMed below 0.00001; ESP Exome Variant Server 0.00008.
gnomAD v4.1: 1 of 1,612,082 alleles (0.000062%); highest among the groups gnomAD compares: East Asian, 0.0022%; no homozygotes.

Submission:

Labcorp Genetics (formerly Invitae), Labcorp
Classification: Uncertain significance for Fanconi anemia. Last evaluated: 2023-08-31. Review status: criteria provided, single submitter. Criteria: Invitae Variant Classification Sherloc (09022015). Collection method: clinical testing. Allele origin: germline.
Comment: In summary, the available evidence is currently insufficient to determine the role of this variant in disease. Therefore, it has been classified as a Variant of Uncertain Significance. This sequence change falls in intron 21 of the FANCM gene. It does not directly change the encoded amino acid sequence of the FANCM protein. It affects a nucleotide within the consensus splice site. This variant is present in population databases (rs370766455, gnomAD 0.006%). This variant has not been reported in the literature in individuals affected with FANCM-related conditions. Variants that disrupt the consensus splice site are a relatively common cause of aberrant splicing (PMID: 17576681, 9536098). Algorithms developed to predict the effect of sequence changes on RNA splicing suggest that this variant may disrupt the consensus splice site.

Literature cited by the submitters: PubMed 17576681; PubMed 9536098.

NM_020937.4(FANCM):c.5716+5G>A

Gene: FANCM (FA complementation group M; plus strand). Cytogenetic location: 14q21.2.
Variant type: single nucleotide variant.
Coding change: c.5716+5G>A on transcript NM_020937.4 (MANE Select); 5 bases into the intron after coding-DNA position 5716, G replaced by A.
Molecular consequence: intron variant.
Genome position (GRCh38, 1-based): chr14:45,196,552, G>A. VCF-style: chr14-45196552-G-A. GRCh37 (hg19) VCF-style: chr14-45665755-G-A.
Other names: c.5638+5G>A (NM_001308133.2).
Identifiers: ClinVar variation 3014806 (VCV003014806.3), dbSNP rs370766455, ClinGen allele CA259601769.